The following is an entry in ClinVar:

NM_001458.5(FLNC):c.5455G>T (p.Asp1819Tyr)

Genes: FLNC (filamin C; plus strand), FLNC-AS1 (FLNC antisense RNA 1; minus strand). Cytogenetic location: 7q32.1.
Variant type: single nucleotide variant.
Coding change: c.5455G>T on transcript NM_001458.5 (MANE Select); coding-DNA position 5455, G replaced by T.
Protein change: p.Asp1819Tyr; replaces aspartic acid 1819 with tyrosine.
Molecular consequence: missense variant.
Genome position (GRCh38, 1-based): chr7:128,850,859, G>T. VCF-style: chr7-128850859-G-T. GRCh37 (hg19) VCF-style: chr7-128490913-G-T.
Other names: c.5356G>T, p.Asp1786Tyr (NM_001127487.2); short protein forms D1786Y, D1819Y.
Identifiers: ClinVar variation 940331 (VCV000940331.10), dbSNP rs1808778177, ClinGen allele CA369206726.

ClinVar aggregate classification (germline): Uncertain significance (1 of 4 stars; one submission).

Conditions:
Myofibrillar myopathy 5. Also called: FILAMINOPATHY, AUTOSOMAL DOMINANT; Filaminopathy (type). Identifiers: Orphanet 171445, MedGen C1836050, MONDO:0012289, OMIM 609524.
Distal myopathy with posterior leg and anterior hand involvement. Also called: WILLIAMS DISTAL MYOPATHY. Identifiers: Orphanet 63273, MedGen C3279722, MONDO:0013550, OMIM 614065.
Hypertrophic cardiomyopathy 26. Also called: Cardiomyopathy, familial hypertrophic, 26. Identifiers: Orphanet 75249, MedGen C4310749, MONDO:0014883, OMIM 617047.

Submission:

Labcorp Genetics (formerly Invitae), Labcorp
Classification: Uncertain significance for Distal myopathy with posterior leg and anterior hand involvement; Myofibrillar myopathy 5; Hypertrophic cardiomyopathy 26. Last evaluated: 2019-06-17. Review status: criteria provided, single submitter. Criteria: Invitae Variant Classification Sherloc (09022015). Collection method: clinical testing. Allele origin: germline.
Comment: Algorithms developed to predict the effect of missense changes on protein structure and function are either unavailable or do not agree on the potential impact of this missense change (SIFT: "Deleterious"; PolyPhen-2: "Probably Damaging"; Align-GVGD: "Class C15"). This sequence change replaces aspartic acid with tyrosine at codon 1819 of the FLNC protein (p.Asp1819Tyr). The aspartic acid residue is highly conserved and there is a large physicochemical difference between aspartic acid and tyrosine. This variant is not present in population databases (ExAC no frequency). This variant has not been reported in the literature in individuals with FLNC-related conditions. Algorithms developed to predict the effect of sequence changes on RNA splicing suggest that this variant may create or strengthen a splice site, but this prediction has not been confirmed by published transcriptional studies. In summary, the available evidence is currently insufficient to determine the role of this variant in disease. Therefore, it has been classified as a Variant of Uncertain Significance.